The following is an entry in ClinVar:

ClinVar aggregate classification (germline): Conflicting classifications of pathogenicity. Review status: criteria provided, conflicting classifications (1 of 4 stars). 2 submissions from 2 submitters: Uncertain significance (1); Likely benign (1). Last evaluated 2023-03-23.

Conditions:
Hereditary cancer-predisposing syndrome. Also called: Neoplastic Syndromes, Hereditary; Tumor predisposition; Hereditary Cancer Syndrome; Hereditary neoplastic syndrome. Identifiers: Orphanet 140162, MedGen C0027672, MeSH D009386, MONDO:0015356.

Submissions (2):

University of Washington Department of Laboratory Medicine, University of Washington
Classification: Likely benign for Hereditary cancer-predisposing syndrome. Last evaluated: 2023-03-23. Review status: criteria provided, single submitter. Criteria: Dines et al. (Genet Med. 2020). Collection method: curation. Allele origin: germline.
Comment: Missense variant in a coldspot region where missense variants are very unlikely to be pathogenic (PMID:31911673).

BRCA1 coldspot (exon 11 using historical exon numbering). Reclassification based on statistical prior probability

Ambry Genetics
Classification: Uncertain significance for Hereditary cancer-predisposing syndrome. Last evaluated: 2022-09-21. Review status: criteria provided, single submitter. Criteria: Ambry Variant Classification Scheme 2023. Collection method: clinical testing. Allele origin: germline.
Comment: The p.E1017Q variant (also known as c.3049G>C), located in coding exon 9 of the BRCA1 gene, results from a G to C substitution at nucleotide position 3049. The glutamic acid at codon 1017 is replaced by glutamine, an amino acid with highly similar properties. This amino acid position is conserved. In addition, the in silico prediction for this alteration is inconclusive. Since supporting evidence is limited at this time, the clinical significance of this alteration remains unclear.

NM_007294.4(BRCA1):c.3049G>C (p.Glu1017Gln)

Gene: BRCA1 (BRCA1 DNA repair associated; minus strand). Cytogenetic location: 17q21.31.
Variant type: single nucleotide variant.
Coding change: c.3049G>C on transcript NM_007294.4 (MANE Select); coding-DNA position 3049, G replaced by C.
Protein change: p.Glu1017Gln; replaces glutamic acid 1017 with glutamine.
Molecular consequence: missense variant. On other transcripts: intron variant (137).
Genome position (GRCh38, 1-based): chr17:43,092,482, C>G on the plus strand (G>C on the coding strand, the complement: BRCA1 is on the minus strand). VCF-style: chr17-43092482-C-G. GRCh37 (hg19) VCF-style: chr17-41244499-C-G.
Other names: c.2716G>C, p.Glu906Gln (NM_001407949.1, NM_001407950.1, NM_001407951.1 and 6 more transcripts); c.2713G>C, p.Glu905Gln (NM_001407954.1, NM_001407955.1, NM_001407956.1 and 1 more transcripts); c.2668G>C, p.Glu890Gln (NM_001407959.1, NM_001407960.1, NM_001407963.1); c.2665G>C, p.Glu889Gln (NM_001407962.1); c.2905G>C, p.Glu969Gln (NM_001407964.1, NM_001407740.1, NM_001407741.1 and 20 more transcripts); c.2545G>C, p.Glu849Gln (NM_001407965.1); c.2161G>C, p.Glu721Gln (NM_001407966.1, NM_001407967.1); c.2908G>C, p.Glu970Gln (NM_007297.4, NM_001407692.1, NM_001407694.1 and 29 more transcripts); and 41 more; short protein forms E1014Q, E1016Q, E721Q, E1017Q, E928Q, E946Q, E950Q, E975Q.
Identifiers: ClinVar variation 1799227 (VCV001799227.4), dbSNP rs80357004, ClinGen allele CA10595893.
Genomic context (GRCh38, chr17:43,092,482, plus strand): 5'-TAAAAACATTTTCTCTAATGTTATTACGGCTAATTGTGCTCACTGTACTTGGAATGTTCT[C>G]ATTTCCCATTTCTCTTTCAGGTGACATTGAATGTTCCTCAAAGTTTTCCTCTAGCAGATT-3'
Protein context (NP_009225.1, residues 1007-1027): SMSPEREMGN[Glu1017Gln]NIPSTVSTIS